The following is an entry in ClinVar:

NM_000186.4(CFH):c.32T>C (p.Met11Thr)

Gene: CFH (complement factor H; plus strand). Cytogenetic location: 1q31.3.
Variant type: single nucleotide variant.
Coding change: c.32T>C on transcript NM_000186.4 (MANE Select); coding-DNA position 32, T replaced by C.
Protein change: p.Met11Thr; replaces methionine 11 with threonine.
Molecular consequence: missense variant.
Genome position (GRCh38, 1-based): chr1:196,652,149, T>C. VCF-style: chr1-196652149-T-C. GRCh37 (hg19) VCF-style: chr1-196621279-T-C.
Other names: c.32T>C, p.Met11Thr (NM_001014975.3); short protein forms M11T.
Identifiers: ClinVar variation 1997050 (VCV001997050.5), dbSNP rs1666520560, ClinGen allele CA343988910.

ClinVar aggregate classification (germline): Uncertain significance. Review status: criteria provided, multiple submitters, no conflicts (2 of 4 stars). 2 submissions from 2 submitters: Uncertain significance (2). Last evaluated 2025-10-02.

Conditions:
Atypical hemolytic-uremic syndrome. Identifiers: Orphanet 2134, MedGen C2931788, MONDO:0016244.

Allele frequency attached by ClinVar (database versions not stated): gnomAD exomes below 0.00001; TOPMed below 0.00001.

Submissions (2):

Genomenon, Inc
Classification: Uncertain significance for Atypical hemolytic-uremic syndrome. Last evaluated: 2025-10-02. Review status: criteria provided, single submitter. Criteria: Genomenon Sequence Variant Interpretation Standards - Updated. Collection method: curation. Allele origin: germline. Affected: yes.
Comment: CFH p.Met11Thr (c.32T>C) is a missense variant that changes the amino acid at residue 11 from Methionine to Threonine. This variant has been observed in at least one proband affected with atypical hemolytic-uremic syndrome (PMID:30890598). Functional studies have been reported (PMID:34189567). It is absent or not present at a significant frequency in gnomAD. In silico models agree that this variant is not damaging. In conclusion, we classify CFH p.Met11Thr (c.32T>C) as a variant of uncertain significance.

Labcorp Genetics (formerly Invitae), Labcorp
Classification: Uncertain significance. Last evaluated: 2022-05-20. Review status: criteria provided, single submitter. Criteria: Invitae Variant Classification Sherloc (09022015). Collection method: clinical testing. Allele origin: germline.
Comment: In summary, the available evidence is currently insufficient to determine the role of this variant in disease. Therefore, it has been classified as a Variant of Uncertain Significance. Algorithms developed to predict the effect of missense changes on protein structure and function output the following: SIFT: "Tolerated"; PolyPhen-2: "Benign"; Align-GVGD: "Class C0". The threonine amino acid residue is found in multiple mammalian species, which suggests that this missense change does not adversely affect protein function. This variant has not been reported in the literature in individuals affected with CFH-related conditions. This variant is not present in population databases (gnomAD no frequency). This sequence change replaces methionine, which is neutral and non-polar, with threonine, which is neutral and polar, at codon 11 of the CFH protein (p.Met11Thr).

Literature cited by the submitters: PubMed 30890598 (cited by Genomenon, Inc); PubMed 34189567 (cited by Genomenon, Inc).